The following is an entry in ClinVar:

NM_201253.3(CRB1):c.2416G>C (p.Glu806Gln)

Gene: CRB1 (crumbs cell polarity complex component 1; plus strand). Cytogenetic location: 1q31.3.
Variant type: single nucleotide variant.
Coding change: c.2416G>C on transcript NM_201253.3 (MANE Select); coding-DNA position 2416, G replaced by C.
Protein change: p.Glu806Gln; replaces glutamic acid 806 with glutamine.
Molecular consequence: missense variant. On other transcripts: non-coding transcript variant (2), intron variant (1).
Genome position (GRCh38, 1-based): chr1:197,427,741, G>C. VCF-style: chr1-197427741-G-C. GRCh37 (hg19) VCF-style: chr1-197396871-G-C.
Other names: c.2080G>C, p.Glu694Gln (NM_001193640.2); c.2209G>C, p.Glu737Gln (NM_001257965.2); c.2128+5785G>C (NM_001257966.2); short protein forms E694Q, E737Q, E806Q.
Identifiers: ClinVar variation 2573354 (VCV002573354.2), dbSNP rs766411096, ClinGen allele CA1312120.
Genomic context (GRCh38, chr1:197,427,741, plus strand): 5'-TTTGTTCTTAATGATGGAAATGTCCACTTGATATCTTTGAAAATCAAGCCATATAAAATT[G>C]AACTGTATCAGTCTTCACAAAACCTAGGATTTATTTCTGCTTCTACGTGGAAAATCGAAA-3'
Protein context (NP_957705.1, residues 796-816): ISLKIKPYKI[Glu806Gln]LYQSSQNLGF

ClinVar aggregate classification (germline): Uncertain significance. Review status: criteria provided, multiple submitters, no conflicts (2 of 4 stars). 2 submissions from 2 submitters: Uncertain significance (2). Last evaluated 2023-10-01.

Conditions:
Retinal dystrophy. Also called: Inherited retinal dystrophy. Identifiers: Orphanet 71862, MedGen C0854723, MeSH D058499, MONDO:0019118, HP:0000556.

Allele frequency attached by ClinVar (database versions not stated): ExAC 0.00001; gnomAD 0.00001; gnomAD exomes 0.00002.
gnomAD v4.1: 11 of 1,613,736 alleles (0.00068%); highest among the groups gnomAD compares: East Asian, 0.025%; 1 homozygote.

Submissions (2):

Dept Of Ophthalmology, Nagoya University
Classification: Uncertain significance for Retinal dystrophy. Last evaluated: 2023-10-01. Review status: criteria provided, single submitter. Criteria: Submitter's publication. Collection method: research. Allele origin: germline. Affected: yes.

Women's Health and Genetics/Laboratory Corporation of America, LabCorp
Classification: Uncertain significance. Last evaluated: 2023-06-21. Review status: criteria provided, single submitter. Criteria: LabCorp Variant Classification Summary - May 2015. Collection method: clinical testing. Allele origin: germline.
Comment: Variant summary: CRB1 c.2416G>C (p.Glu806Gln) results in a conservative amino acid change located in the Laminin G domain (IPR001791) of the encoded protein sequence. Three of five in-silico tools predict a benign effect of the variant on protein function. The variant allele was found at a frequency of 8e-06 in 250712 control chromosomes (gnomAD). The available data on variant occurrences in the general population are insufficient to allow any conclusion about variant significance. c.2416G>C has been reported in the literature in at least one compound heterozygous individual affected with leber congenital amaurosis (Wang_2015). These report(s) do not provide unequivocal conclusions about association of the variant with Retinal Dystrophy. To our knowledge, no experimental evidence demonstrating an impact on protein function has been reported. The following publications have been ascertained in the context of this evaluation (PMID: 31964843, 26047050). No submitters have cited clinical-significance assessments for this variant to ClinVar after 2014. Based on the evidence outlined above, the variant was classified as uncertain significance.

Literature cited by the submitters: PubMed 26047050 (cited by Women's Health and Genetics/Laboratory Corporation of America, LabCorp); PubMed 31964843 (cited by Women's Health and Genetics/Laboratory Corporation of America, LabCorp).